The following is an entry in ClinVar:

ClinVar aggregate classification (germline): Uncertain significance (1 of 4 stars; one submission).

Submission:

Centre of Medical Genetics, University Hospital Muenster
Classification: Uncertain significance. Last evaluated: 2025-01-15. Review status: criteria provided, single submitter. Criteria: ACMG Guidelines, 2015. Collection method: clinical testing. Allele origin: de novo. Affected: yes. Observed: 1 variant allele, 1 heterozygote.
Comment: ACMG categories: PS2_mod,PM2,PP2

NM_004068.4(AP2M1):c.1268G>A (p.Arg423His)

Gene: AP2M1 (adaptor related protein complex 2 subunit mu 1; plus strand). Cytogenetic location: 3q27.1.
Variant type: single nucleotide variant.
Coding change: c.1268G>A on transcript NM_004068.4 (MANE Select); coding-DNA position 1268, G replaced by A.
Protein change: p.Arg423His; replaces arginine 423 with histidine.
Molecular consequence: missense variant.
Genome position (GRCh38, 1-based): chr3:184,183,576, G>A. VCF-style: chr3-184183576-G-A. GRCh37 (hg19) VCF-style: chr3-183901364-G-A.
Other names: c.1262G>A, p.Arg421His (NM_001025205.2); c.1343G>A, p.Arg448His (NM_001311198.2); short protein forms R421H, R423H, R448H.
Identifiers: ClinVar variation 4526341 (VCV004526341.1).